The following is an entry in ClinVar:

NM_001267550.2(TTN):c.54190+17C>G

Genes: TTN-AS1 (TTN antisense RNA 1; plus strand), TTN (titin; minus strand). Cytogenetic location: 2q31.2.
Variant type: single nucleotide variant.
Coding change: c.54190+17C>G on transcript NM_001267550.2 (MANE Select); 17 bases into the intron after coding-DNA position 54190, C replaced by G.
Molecular consequence: intron variant. On other transcripts: non-coding transcript variant (1).
Genome position (GRCh38, 1-based): chr2:178,604,970, G>C on the plus strand (C>G on the coding strand, the complement: TTN is on the minus strand). VCF-style: chr2-178604970-G-C. GRCh37 (hg19) VCF-style: chr2-179469697-G-C.
Other names: c.26995+17C>G (NM_003319.4); c.27571+17C>G (NM_133437.4); c.27370+17C>G (NM_133432.3); c.46486+17C>G (NM_133378.4); c.49267+17C>G (NM_001256850.1).
Identifiers: ClinVar variation 509144 (VCV000509144.9), dbSNP rs759925759, ClinGen allele CA1993676.
Genomic context (GRCh38, chr2:178,604,970, plus strand): 5'-TCAACAGAGAATATTGAGAAGGCAATTCTTAAACAGACACTGGATGCCTTTTTGATGTAA[G>C]AAAGCAAGTCACTTACCATATACTTCAACGTGAACATTTCGGAACACTGAGCCAAGGCGA-3'

ClinVar aggregate classification (germline): Likely benign. Review status: criteria provided, multiple submitters, no conflicts (2 of 4 stars). 2 submissions from 2 submitters: Likely benign (2). Last evaluated 2025-09-13.

Conditions:
Dilated cardiomyopathy 1G (CMD1G). Identifiers: Orphanet 154, MedGen C1858763, MONDO:0011400, OMIM 604145.
Autosomal recessive limb-girdle muscular dystrophy type 2J (LGMDR10). Also called: Limb-girdle muscular dystrophy, type 2J; MUSCULAR DYSTROPHY, LIMB-GIRDLE, AUTOSOMAL RECESSIVE 10. Identifiers: Orphanet 140922, MedGen C1837342, MONDO:0012127, OMIM 608807.

Allele frequency attached by ClinVar (database versions not stated): gnomAD 0.00001; gnomAD exomes 0.00001; ExAC 0.00002; TOPMed 0.00002.
gnomAD v4.1: 16 of 1,587,756 alleles (0.001%); highest among the groups gnomAD compares: Non-Finnish European, 0.0014%; no homozygotes.

Submissions (2):

Labcorp Genetics (formerly Invitae), Labcorp
Classification: Likely benign for Dilated cardiomyopathy 1G; Autosomal recessive limb-girdle muscular dystrophy type 2J. Last evaluated: 2025-09-13. Review status: criteria provided, single submitter. Criteria: Invitae Variant Classification Sherloc (09022015). Collection method: clinical testing. Allele origin: germline.

GeneDx
Classification: Likely benign. Last evaluated: 2017-04-21. Review status: criteria provided, single submitter. Criteria: GeneDx Variant Classification (06012015). Collection method: clinical testing. Allele origin: germline. Affected: yes.
Comment: This variant is considered likely benign or benign based on one or more of the following criteria: it is a conservative change, it occurs at a poorly conserved position in the protein, it is predicted to be benign by multiple in silico algorithms, and/or has population frequency not consistent with disease.